The following is an entry in ClinVar:

NM_001276270.2(MBD4):c.412C>G (p.Pro138Ala)

Gene: MBD4 (methyl-CpG binding domain 4, DNA glycosylase; minus strand). Cytogenetic location: 3q21.3.
Variant type: single nucleotide variant.
Coding change: c.412C>G on transcript NM_001276270.2 (MANE Select); coding-DNA position 412, C replaced by G.
Protein change: p.Pro138Ala; replaces proline 138 with alanine.
Molecular consequence: missense variant. On other transcripts: intron variant (1).
Genome position (GRCh38, 1-based): chr3:129,437,232, G>C on the plus strand (C>G on the coding strand, the complement: MBD4 is on the minus strand). VCF-style: chr3-129437232-G-C. GRCh37 (hg19) VCF-style: chr3-129156075-G-C.
Other names: c.412C>G (NM_003925.2); c.412C>G, p.Pro138Ala (NM_001276271.2, NM_001276272.2, NM_003925.3); c.247+576C>G (NM_001276273.2); short protein forms P138A.
Identifiers: ClinVar variation 2784987 (VCV002784987.5), dbSNP rs1022016164, ClinGen allele CA82636877.

ClinVar aggregate classification (germline): Uncertain significance. Review status: criteria provided, multiple submitters, no conflicts (2 of 4 stars). 3 submissions from 3 submitters: Uncertain significance (3). Last evaluated 2026-09-25.

Conditions:
MBD4-related disorder. Also called: MBD4-related condition.
Inborn genetic diseases. Identifiers: MedGen C0950123, MeSH D030342.

Allele frequency attached by ClinVar (database versions not stated): gnomAD exomes below 0.00001; TOPMed below 0.00001.

Submissions (3):

PreventionGenetics, part of Exact Sciences
Classification: Uncertain significance for MBD4-related condition. Last evaluated: 2026-09-25. Review status: criteria provided, single submitter. Criteria: ACMG Guidelines, 2015. Collection method: clinical testing. Allele origin: germline.
Comment: The MBD4 c.412C>G variant is predicted to result in the amino acid substitution p.Pro138Ala. To our knowledge, this variant has not been reported in the literature. This variant is reported in 0.0029% of alleles in individuals of Latino descent in gnomAD. This variant is interpreted as uncertain in ClinVar (Variation ID: 2784987). At this time, the clinical significance of this variant is uncertain due to the absence of conclusive functional and genetic evidence.

Labcorp Genetics (formerly Invitae), Labcorp
Classification: Uncertain significance. Last evaluated: 2026-01-07. Review status: criteria provided, single submitter. Criteria: Invitae Variant Classification Sherloc (09022015). Collection method: clinical testing. Allele origin: germline.
Comment: This sequence change replaces proline, which is neutral and non-polar, with alanine, which is neutral and non-polar, at codon 138 of the MBD4 protein (p.Pro138Ala). This variant is present in population databases (no rsID available, gnomAD 0.003%). This variant has not been reported in the literature in individuals affected with MBD4-related conditions. ClinVar contains an entry for this variant (Variation ID: 2784987). An algorithm developed to predict the effect of missense changes on protein structure and function (PolyPhen-2) suggests that this variant is likely to be disruptive. In summary, the available evidence is currently insufficient to determine the role of this variant in disease. Therefore, it has been classified as a Variant of Uncertain Significance.

Ambry Genetics
Classification: Uncertain significance for Inborn genetic diseases. Last evaluated: 2024-12-08. Review status: criteria provided, single submitter. Criteria: Ambry Variant Classification Scheme 2023. Collection method: clinical testing. Allele origin: germline.
Comment: The p.P138A variant (also known as c.412C>G), located in coding exon 3 of the MBD4 gene, results from a C to G substitution at nucleotide position 412. The proline at codon 138 is replaced by alanine, an amino acid with highly similar properties. This amino acid position is conserved. In addition, the in silico prediction for this alteration is inconclusive. Based on the available evidence, the clinical significance of this variant remains unclear.